The following is an entry in ClinVar:

ClinVar aggregate classification (germline): Conflicting classifications of pathogenicity. Review status: criteria provided, conflicting classifications (1 of 4 stars). 6 submissions from 6 submitters: Uncertain significance (5); Likely benign (1). Last evaluated 2026-05-10.

Conditions:
Noonan syndrome and Noonan-related syndrome. Identifiers: Orphanet 98733, MedGen C5681679, MONDO:0020297.
Cardiovascular phenotype. Identifiers: MedGen CN230736.
RASopathy. Also called: rasopathies; Noonan spectrum disorder. Identifiers: Orphanet 536391, MedGen C5555857, MONDO:0021060.

Allele frequency attached by ClinVar (database versions not stated): gnomAD 0.00001; ExAC 0.00002; gnomAD exomes 0.00002 and 0.00003; TOPMed 0.00003.
gnomAD v4.1: 22 of 1,613,936 alleles (0.0014%); highest among the groups gnomAD compares: South Asian, 0.0033%; 1 homozygote.

Submissions (6):

Ambry Genetics
Classification: Uncertain significance for Cardiovascular phenotype. Last evaluated: 2026-05-10. Review status: criteria provided, single submitter. Criteria: Ambry Variant Classification Scheme 2023. Collection method: clinical testing. Allele origin: germline.
Comment: The c.1334T>G (p.L445R) alteration is located in exon 12 (coding exon 11) of the RAF1 gene. This alteration results from a T to G substitution at nucleotide position 1334, causing the leucine (L) at amino acid position 445 to be replaced by an arginine (R). Based on data from gnomAD, the G allele has an overall frequency of 0.002% (6/251334) total alleles studied. The highest observed frequency was 0.004% (5/113624) of European (non-Finnish) alleles. Based on insufficient or conflicting evidence, the clinical significance of this alteration remains unclear.

Labcorp Genetics (formerly Invitae), Labcorp
Classification: Uncertain significance for RASopathy. Last evaluated: 2026-01-14. Review status: criteria provided, single submitter. Criteria: Invitae Variant Classification Sherloc (09022015). Collection method: clinical testing. Allele origin: germline.
Comment: This sequence change replaces leucine, which is neutral and non-polar, with arginine, which is basic and polar, at codon 445 of the RAF1 protein (p.Leu445Arg). This variant is present in population databases (rs757591797, gnomAD 0.004%). This missense change has been observed in individual(s) with sudden unexplained death (PMID: 33789662). ClinVar contains an entry for this variant (Variation ID: 235047). Invitae Evidence Modeling of protein sequence and biophysical properties (such as structural, functional, and spatial information, amino acid conservation, physicochemical variation, residue mobility, and thermodynamic stability) indicates that this missense variant is expected to disrupt RAF1 protein function with a positive predictive value of 95%. In summary, the available evidence is currently insufficient to determine the role of this variant in disease. Therefore, it has been classified as a Variant of Uncertain Significance.

CeGaT Center for Human Genetics Tuebingen
Classification: Likely benign. Last evaluated: 2025-11-01. Review status: criteria provided, single submitter. Criteria: CeGaT Center For Human Genetics Tuebingen Variant Classification Criteria Version 2. Collection method: clinical testing. Allele origin: germline. Affected: yes. Observed: 1 variant allele.
Comment: RAF1: PP2, PP3, BS2

Laboratory of Genetics, Children's Clinical University Hospital Latvia
Classification: Uncertain significance. Last evaluated: 2025-02-16. Review status: criteria provided, single submitter. Criteria: ACMG Guidelines, 2015. Collection method: clinical testing. Allele origin: germline. Affected: yes.

Genome Diagnostics Laboratory, The Hospital for Sick Children
Classification: Uncertain significance for Noonan syndrome and Noonan-related syndrome. Last evaluated: 2017-01-16. Review status: criteria provided, single submitter. Criteria: ACMG Guidelines, 2015. Collection method: clinical testing. Allele origin: germline.

Stanford Center for Inherited Cardiovascular Disease, Stanford University
Classification: Uncertain significance. Last evaluated: 2013-11-15. Review status: criteria provided, single submitter. Criteria: ACMG Guidelines, 2015. Collection method: provider interpretation. Allele origin: germline.

Literature cited by the submitters: PubMed 33789662 (cited by Labcorp Genetics (formerly Invitae), Labcorp).

NM_002880.4(RAF1):c.1334T>G (p.Leu445Arg)

Gene: RAF1 (Raf-1 proto-oncogene, serine/threonine kinase; minus strand). Cytogenetic location: 3p25.2.
Variant type: single nucleotide variant.
Coding change: c.1334T>G on transcript NM_002880.4 (MANE Select); coding-DNA position 1334, T replaced by G.
Protein change: p.Leu445Arg; replaces leucine 445 with arginine.
Molecular consequence: missense variant. On other transcripts: non-coding transcript variant (3).
Genome position (GRCh38, 1-based): chr3:12,590,834, A>C on the plus strand (T>G on the coding strand, the complement: RAF1 is on the minus strand). VCF-style: chr3-12590834-A-C. GRCh37 (hg19) VCF-style: chr3-12632333-A-C.
Other names: c.1394T>G, p.Leu465Arg (NM_001354689.3); c.1334T>G, p.Leu445Arg (NM_001354690.3); c.1091T>G, p.Leu364Arg (NM_001354691.3, NM_001354692.3); c.1235T>G, p.Leu412Arg (NM_001354693.3); c.1151T>G, p.Leu384Arg (NM_001354694.3); c.992T>G, p.Leu331Arg (NM_001354695.3); short protein forms L445R, L412R, L331R, L465R, L364R, L384R.
Identifiers: ClinVar variation 235047 (VCV000235047.21), dbSNP rs757591797, ClinGen allele CA2259539.